The following is an entry in ClinVar:

NM_017763.6(RNF43):c.2006C>T (p.Pro669Leu)

Gene: RNF43 (ring finger protein 43; minus strand). Cytogenetic location: 17q22.
Variant type: single nucleotide variant.
Coding change: c.2006C>T on transcript NM_017763.6 (MANE Select); coding-DNA position 2006, C replaced by T.
Protein change: p.Pro669Leu; replaces proline 669 with leucine.
Molecular consequence: missense variant.
Genome position (GRCh38, 1-based): chr17:58,357,770, G>A on the plus strand (C>T on the coding strand, the complement: RNF43 is on the minus strand). VCF-style: chr17-58357770-G-A. GRCh37 (hg19) VCF-style: chr17-56435131-G-A.
Other names: c.2006C>T, p.Pro669Leu (NM_001305544.3); c.1625C>T, p.Pro542Leu (NM_001305545.2); short protein forms P542L, P669L.
Identifiers: ClinVar variation 3342773 (VCV003342773.3).

ClinVar aggregate classification (germline): Uncertain significance. Review status: criteria provided, multiple submitters, no conflicts (2 of 4 stars). 2 submissions from 2 submitters: Uncertain significance (2). Last evaluated 2025-04-03.

gnomAD v4.1: 6 of 1,613,844 alleles (0.00037%); highest among the groups gnomAD compares: Admixed American, 0.0067%; no homozygotes.

Submissions (2):

GeneDx
Classification: Uncertain significance. Last evaluated: 2025-04-03. Review status: criteria provided, single submitter. Criteria: GeneDx Variant Classification Process June 2021. Collection method: clinical testing. Allele origin: germline.
Comment: Not observed at significant frequency in large population cohorts (gnomAD); In silico analysis supports that this missense variant has a deleterious effect on protein structure/function; Has not been previously published as pathogenic or benign to our knowledge

Ambry Genetics
Classification: Uncertain significance. Last evaluated: 2025-01-22. Review status: criteria provided, single submitter. Criteria: Ambry Variant Classification Scheme 2023. Collection method: clinical testing. Allele origin: germline.
Comment: The p.P669L variant (also known as c.2006C>T), located in coding exon 8 of the RNF43 gene, results from a C to T substitution at nucleotide position 2006. The proline at codon 669 is replaced by leucine, an amino acid with similar properties. This amino acid position is conserved. In addition, this alteration is predicted to be tolerated by in silico analysis. Based on the available evidence, the clinical significance of this variant remains unclear.